The following is an entry in ClinVar:

ClinVar aggregate classification (germline): Uncertain significance. Review status: criteria provided, multiple submitters, no conflicts (2 of 4 stars). 5 submissions from 5 submitters: Uncertain significance (4). 1 of the submissions does not count toward it. Last evaluated 2024-02-26.

Conditions:
Neuromuscular disease caused by qualitative or quantitative defects of dysferlin. Also called: Dysferlinopathy; Qualitative or quantitative defects of dysferlin. Identifiers: Orphanet 207073, MedGen C2931687, MONDO:0016145.
Autosomal recessive limb-girdle muscular dystrophy type 2B (LGMDR2). Also called: MUSCULAR DYSTROPHY, LIMB-GIRDLE, AUTOSOMAL RECESSIVE 2; Limb-girdle muscular dystrophy, type 2B; Limb-Girdle Muscular Dystrophy Type 2B (LGMD2B); MUSCULAR DYSTROPHY, LIMB-GIRDLE, TYPE 3. Identifiers: Orphanet 268, MedGen C1850889, MONDO:0009676, OMIM 253601.

Allele frequency attached by ClinVar (database versions not stated): TOPMed 0.00003; 1000 Genomes Project 30x 0.00031; 1000 Genomes Project 0.00040.
gnomAD v4.1: 45 of 1,614,166 alleles (0.0028%); highest among the groups gnomAD compares: East Asian, 0.013%; no homozygotes.

Submissions (5):

Revvity Omics, Revvity
Classification: Uncertain significance. Last evaluated: 2024-02-26. Review status: criteria provided, single submitter. Criteria: ACMG Guidelines, 2015. Collection method: clinical testing. Allele origin: germline.

Labcorp Genetics (formerly Invitae), Labcorp
Classification: Uncertain significance for Neuromuscular disease caused by qualitative or quantitative defects of dysferlin. Last evaluated: 2022-02-09. Review status: criteria provided, single submitter. Criteria: Invitae Variant Classification Sherloc (09022015). Collection method: clinical testing. Allele origin: germline.
Comment: This sequence change replaces arginine, which is basic and polar, with tryptophan, which is neutral and slightly polar, at codon 2000 of the DYSF protein (p.Arg2000Trp). This variant is present in population databases (rs149357145, gnomAD 0.007%). This variant has not been reported in the literature in individuals affected with DYSF-related conditions. ClinVar contains an entry for this variant (Variation ID: 284487). Algorithms developed to predict the effect of missense changes on protein structure and function (SIFT, PolyPhen-2, Align-GVGD) all suggest that this variant is likely to be disruptive. In summary, the available evidence is currently insufficient to determine the role of this variant in disease. Therefore, it has been classified as a Variant of Uncertain Significance.

CeGaT Center for Human Genetics Tuebingen
Classification: Uncertain significance. Last evaluated: 2017-01-01. Review status: criteria provided, single submitter. Criteria: CeGaT Center For Human Genetics Tuebingen Variant Classification Criteria Version 2. Collection method: clinical testing. Allele origin: germline. Affected: yes. Observed: 1 variant allele.

Eurofins Ntd Llc (ga)
Classification: Uncertain significance. Last evaluated: 2015-11-10. Review status: criteria provided, single submitter. Criteria: EGL Classification Definitions 2015. Collection method: clinical testing. Allele origin: germline. Observed: 1 variant allele, 1 heterozygote.

Natera, Inc.
Classification: Uncertain significance for Limb-girdle muscular dystrophy type 2B. Last evaluated: 2020-04-04. Review status: no assertion criteria provided. Collection method: clinical testing. Allele origin: germline. Not counted in ClinVar's aggregate classification.

NM_001130987.2(DYSF):c.6115C>T (p.Arg2039Trp)

Gene: DYSF (dysferlin; plus strand). Cytogenetic location: 2p13.2.
Variant type: single nucleotide variant.
Coding change: c.6115C>T on transcript NM_001130987.2 (MANE Select); coding-DNA position 6115, C replaced by T.
Protein change: p.Arg2039Trp; replaces arginine 2039 with tryptophan.
Molecular consequence: missense variant.
Genome position (GRCh38, 1-based): chr2:71,681,052, C>T. VCF-style: chr2-71681052-C-T. GRCh37 (hg19) VCF-style: chr2-71908182-C-T.
Other names: c.6001C>T, p.Arg2001Trp (NM_001130455.2); c.5956C>T, p.Arg1986Trp (NM_001130976.2); c.6019C>T, p.Arg2007Trp (NM_001130977.2); c.6061C>T, p.Arg2021Trp (NM_001130978.2); c.6091C>T, p.Arg2031Trp (NM_001130979.2); c.6049C>T, p.Arg2017Trp (NM_001130980.2); c.6112C>T, p.Arg2038Trp (NM_001130981.2); c.6094C>T, p.Arg2032Trp (NM_001130982.2); and 5 more; short protein forms R2000W, R2021W, R2039W, R2008W, R2018W, R2032W, R2038W, R2007W.
Identifiers: ClinVar variation 284487 (VCV000284487.53), dbSNP rs149357145, ClinGen allele CA1707598.
Genomic context (GRCh38, chr2:71,681,052, plus strand): 5'-TCCCCTCAGGGCAAGCTGGAAATGACCTTGGAGATTGTAGCAGAGAGTGAGCATGAGGAG[C>T]GGCCTGCTGGCCAGGGCCGGGATGAGCCCAACATGAACCCTAAGCTTGAGGACCCAAGGT-3'
Protein context (NP_001124459.1, residues 2029-2049): EIVAESEHEE[Arg2039Trp]PAGQGRDEPN